The following is an entry in ClinVar:

ClinVar aggregate classification (germline): Uncertain significance (1 of 4 stars; one submission).

Conditions:
Hereditary cancer-predisposing syndrome. Also called: Neoplastic Syndromes, Hereditary; Tumor predisposition; Hereditary neoplastic syndrome; Hereditary Cancer Syndrome. Identifiers: Orphanet 140162, MedGen C0027672, MeSH D009386, MONDO:0015356.

Allele frequency attached by ClinVar (database versions not stated): gnomAD exomes below 0.00001.
gnomAD v4.1: 1 of 1,614,032 alleles (0.000062%); no homozygotes.

Submission:

Ambry Genetics
Classification: Uncertain significance for Hereditary cancer-predisposing syndrome. Last evaluated: 2023-01-10. Review status: criteria provided, single submitter. Criteria: Ambry Variant Classification Scheme 2023. Collection method: clinical testing. Allele origin: germline.
Comment: The p.P450S variant (also known as c.1348C>T), located in coding exon 15 of the CDC73 gene, results from a C to T substitution at nucleotide position 1348. The proline at codon 450 is replaced by serine, an amino acid with similar properties. This amino acid position is highly conserved in available vertebrate species. In addition, the in silico prediction for this alteration is inconclusive. Since supporting evidence is limited at this time, the clinical significance of this alteration remains unclear.

NM_024529.5(CDC73):c.1348C>T (p.Pro450Ser)

Gene: CDC73 (cell division cycle 73; plus strand). Cytogenetic location: 1q31.2.
Variant type: single nucleotide variant.
Coding change: c.1348C>T on transcript NM_024529.5 (MANE Select); coding-DNA position 1348, C replaced by T.
Protein change: p.Pro450Ser; replaces proline 450 with serine.
Molecular consequence: missense variant.
Genome position (GRCh38, 1-based): chr1:193,236,287, C>T. VCF-style: chr1-193236287-C-T. GRCh37 (hg19) VCF-style: chr1-193205417-C-T.
Other names: short protein forms P450S.
Identifiers: ClinVar variation 2450579 (VCV002450579.2), dbSNP rs1386267118, ClinGen allele CA344078157.